The following is an entry in ClinVar:

NM_024422.6(DSC2):c.*137A>G

Gene: DSC2 (desmocollin 2; minus strand). Cytogenetic location: 18q12.1.
Variant type: single nucleotide variant.
Coding change: c.*137A>G on transcript NM_024422.6 (MANE Select); 137 bases downstream of the stop codon, A replaced by G.
Molecular consequence: 3 prime UTR variant.
Genome position (GRCh38, 1-based): chr18:31,067,878, T>C on the plus strand (A>G on the coding strand, the complement: DSC2 is on the minus strand). VCF-style: chr18-31067878-T-C. GRCh37 (hg19) VCF-style: chr18-28647844-T-C.
Other names: c.*345A>G (NM_004949.5).
Identifiers: ClinVar variation 326390 (VCV000326390.8), dbSNP rs78190086, ClinGen allele CA10641314.

ClinVar aggregate classification (germline): Likely benign. Review status: criteria provided, multiple submitters, no conflicts (2 of 4 stars). 3 submissions from 3 submitters: Likely benign (3). Last evaluated 2018-06-14.

Conditions:
Arrhythmogenic right ventricular dysplasia 11. Also called: Arrhythmogenic Right Ventricular Dysplasia/Cardiomyopathy11; ARRHYTHMOGENIC RIGHT VENTRICULAR DYSPLASIA, FAMILIAL, 11; Arrhythmogenic right ventricular dysplasia 11 with mild palmoplantar keratoderma and woolly hair. Identifiers: MedGen C1864850, MONDO:0012506, OMIM 610476.

Allele frequency attached by ClinVar (database versions not stated): 1000 Genomes Project 30x 0.00937; 1000 Genomes Project 0.01038; TOPMed 0.01101.
gnomAD v4.1: 2,174 of 799,370 alleles (0.27%); highest among the groups gnomAD compares: African/African-American, 3.4%; 29 homozygotes.

Submissions (3):

GeneDx
Classification: Likely benign. Last evaluated: 2018-06-14. Review status: criteria provided, single submitter. Criteria: GeneDx Variant Classification Process June 2021. Collection method: clinical testing. Allele origin: germline. Affected: yes.

Illumina Laboratory Services, Illumina
Classification: Likely benign for Arrhythmogenic right ventricular dysplasia 11. Last evaluated: 2018-01-12. Review status: criteria provided, single submitter. Criteria: ICSL Variant Classification Criteria 13 December 2019. Collection method: clinical testing. Allele origin: germline.
Comment: This variant was observed in the ICSL laboratory as part of a predisposition screen in an ostensibly healthy population. It had not been previously curated by ICSL or reported in the Human Gene Mutation Database (HGMD: prior to June 1st, 2018), and was therefore a candidate for classification through an automated scoring system. Utilizing variant allele frequency, disease prevalence and penetrance estimates, and inheritance mode, an automated score was calculated to assess if this variant is too frequent to cause the disease. Based on the score and internal cut-off values, a variant classified as likely benign is not then subjected to further curation. The score for this variant resulted in a classification of likely benign for this disease.

Breakthrough Genomics
Classification: Likely benign. Review status: criteria provided, single submitter. Criteria: ACMG Guidelines, 2015. Collection method: not provided. Allele origin: germline. Inheritance: Autosomal dominant inheritance. Affected: yes.